The following is an entry in ClinVar:

NM_001256864.2(DNAJC6):c.1841A>G (p.Gln614Arg)

Gene: DNAJC6 (DnaJ heat shock protein family (Hsp40) member C6; plus strand). Cytogenetic location: 1p31.3.
Variant type: single nucleotide variant.
Coding change: c.1841A>G on transcript NM_001256864.2 (MANE Select); coding-DNA position 1841, A replaced by G.
Protein change: p.Gln614Arg; replaces glutamine 614 with arginine.
Molecular consequence: missense variant.
Genome position (GRCh38, 1-based): chr1:65,392,803, A>G. VCF-style: chr1-65392803-A-G. GRCh37 (hg19) VCF-style: chr1-65858486-A-G.
Other names: c.1631A>G, p.Gln544Arg (NM_001256865.2); c.1670A>G, p.Gln557Arg (NM_014787.4); short protein forms Q614R, Q544R, Q557R.
Identifiers: ClinVar variation 2053413 (VCV002053413.6), dbSNP rs770663830, ClinGen allele CA894006.

ClinVar aggregate classification (germline): Uncertain significance. Review status: criteria provided, multiple submitters, no conflicts (2 of 4 stars). 3 submissions from 3 submitters: Uncertain significance (3). Last evaluated 2024-08-10.

Conditions:
Inborn genetic diseases. Identifiers: MedGen C0950123, MeSH D030342.
Juvenile onset Parkinson disease 19A. Also called: PARK19; DNAJC6 Parkinson Disease. Identifiers: Orphanet 391411, MedGen C3809811, MONDO:0014231, OMIM 615528.

Allele frequency attached by ClinVar (database versions not stated): gnomAD 0.00005; ExAC 0.00001; gnomAD exomes 0.00002; TOPMed 0.00003.
gnomAD v4.1: 16 of 1,588,426 alleles (0.001%); highest among the groups gnomAD compares: Non-Finnish European, 0.0014%; no homozygotes.

Submissions (3):

Ambry Genetics
Classification: Uncertain significance for Inborn genetic diseases. Last evaluated: 2024-08-10. Review status: criteria provided, single submitter. Criteria: Ambry Variant Classification Scheme 2023. Collection method: clinical testing. Allele origin: germline.

Genome-Nilou Lab
Classification: Uncertain significance for Juvenile onset Parkinson disease 19A. Last evaluated: 2023-04-11. Review status: criteria provided, single submitter. Criteria: ACMG Guidelines, 2015. Collection method: clinical testing. Allele origin: germline. Affected: no.

Labcorp Genetics (formerly Invitae), Labcorp
Classification: Uncertain significance for Juvenile onset Parkinson disease 19A. Last evaluated: 2022-03-08. Review status: criteria provided, single submitter. Criteria: Invitae Variant Classification Sherloc (09022015). Collection method: clinical testing. Allele origin: germline.
Comment: This sequence change replaces glutamine, which is neutral and polar, with arginine, which is basic and polar, at codon 614 of the DNAJC6 protein (p.Gln614Arg). This variant is present in population databases (rs770663830, gnomAD 0.003%). This variant has not been reported in the literature in individuals affected with DNAJC6-related conditions. Algorithms developed to predict the effect of missense changes on protein structure and function (SIFT, PolyPhen-2, Align-GVGD) all suggest that this variant is likely to be tolerated. In summary, the available evidence is currently insufficient to determine the role of this variant in disease. Therefore, it has been classified as a Variant of Uncertain Significance.